The following is an entry in ClinVar:

ClinVar aggregate classification (germline): Pathogenic. Review status: reviewed by expert panel (3 of 4 stars). 2 submissions from 2 submitters: Pathogenic (1). 1 of the submissions does not count toward it. Last evaluated 2016-10-18.

Conditions:
Breast-ovarian cancer, familial, susceptibility to, 1 (BROVCA1). Also called: BRCA1 Hereditary Breast and Ovarian Cancer; OVARIAN CANCER, SUSCEPTIBILITY TO. Identifiers: Orphanet 145, MedGen C2676676, MONDO:0011450, OMIM 604370. Disease mechanism: loss of function.

Submissions (2):

Evidence-based Network for the Interpretation of Germline Mutant Alleles (ENIGMA)
Classification: Pathogenic for Breast-ovarian cancer, familial, susceptibility to, 1. Last evaluated: 2016-10-18. Review status: reviewed by expert panel. Criteria: ENIGMA BRCA1/2 Classification Criteria (2015). Collection method: curation. Allele origin: germline.
Comment: Variant allele predicted to encode a truncated non-functional protein.

Consortium of Investigators of Modifiers of BRCA1/2 (CIMBA), c/o University of Cambridge
Classification: Pathogenic for Breast-ovarian cancer, familial, susceptibility to, 1. Last evaluated: 2015-10-02. Review status: criteria provided, single submitter. Criteria: CIMBA Mutation Classification guidelines May 2016. Collection method: clinical testing. Allele origin: germline. Not counted in ClinVar's aggregate classification.

NM_007294.4(BRCA1):c.518del (p.Pro173fs)

Gene: BRCA1 (BRCA1 DNA repair associated; minus strand). Cytogenetic location: 17q21.31.
Variant type: Deletion.
Coding change: c.518del on transcript NM_007294.4 (MANE Select); coding-DNA position 518, one base deleted (C; older notation c.518delC).
Protein change: p.Pro173fs; shifts the reading frame from proline 173.
Molecular consequence: frameshift variant. On other transcripts: non-coding transcript variant (1).
Genome position (GRCh38, 1-based): chr17:43,099,804, G deleted on the plus strand (C on the coding strand, the reverse complement: BRCA1 is on the minus strand); the first of 2 consecutive G bases (chr17:43,099,804-43,099,805); deleting either gives the same sequence. VCF-style (leftmost placement, unchanged base first): chr17-43099803-AG-A. GRCh37 (hg19) VCF-style: chr17-41251820-AG-A.
Other names: 637delC; c.376delC, p.Pro126Leufs (NM_001407927.1, NM_001407928.1, NM_001407929.1 and 60 more transcripts); c.373delC, p.Pro125Leufs (NM_001407930.1, NM_001407931.1, NM_001407932.1 and 35 more transcripts); c.517delC, p.Pro173Leufs (NM_001407937.1, NM_001407938.1, NM_001407939.1 and 96 more transcripts); c.514delC, p.Pro172Leufs (NM_001407940.1, NM_001407941.1, NM_001407972.1 and 65 more transcripts); c.307delC, p.Pro103Leufs (NM_001407946.1, NM_001407947.1, NM_001407948.1 and 37 more transcripts); c.304delC, p.Pro102Leufs (NM_001407954.1, NM_001407955.1, NM_001407956.1 and 18 more transcripts); c.136delC, p.Pro46Leufs (NM_001407959.1, NM_001407960.1, NM_001407963.1 and 3 more transcripts); and 7 more; short protein forms P126fs, P173fs.
Identifiers: ClinVar variation 266531 (VCV000266531.6), dbSNP rs886040276, ClinGen allele CA10590004.